The following is an entry in ClinVar:

NM_001112741.2(KCNC1):c.1187_1204del (p.Val396_Leu401del)

Gene: KCNC1 (potassium voltage-gated channel subfamily C member 1; plus strand). Cytogenetic location: 11p15.1.
Variant type: Deletion.
Coding change: c.1187_1204del on transcript NM_001112741.2 (MANE Select); coding-DNA positions 1187 to 1204, 18 bases deleted (TCACCATGACGACCCTGG).
Protein change: p.Val396_Leu401del.
Genome position (GRCh38, 1-based): chr11:17,772,281-17,772,298, TCACCATGACGACCCTGG deleted; deleting any 18 consecutive bases within chr11:17,772,278-17,772,298 gives the same sequence; the c. name uses the placement nearest the transcript's 3' end. VCF-style (leftmost placement, unchanged base first): chr11-17772277-GTGGTCACCATGACGACCC-G. GRCh37 (hg19) VCF-style: chr11-17793824-GTGGTCACCATGACGACCC-G.
Other names: c.1187_1204del, p.Val396_Leu401del (NM_004976.4).
Identifiers: ClinVar variation 4686731 (VCV004686731.1).

ClinVar aggregate classification (germline): Likely pathogenic (1 of 4 stars; one submission).

Conditions:
Progressive myoclonic epilepsy type 7. Identifiers: Orphanet 435438, MedGen C4015420, MONDO:0014521, OMIM 616187.

Submission:

Prenatal Diagnostic Center, Dongguan Maternal and Child Health Care Hospital
Classification: Likely pathogenic for Progressive myoclonic epilepsy type 7. Last evaluated: 2026-01-27. Review status: criteria provided, single submitter. Criteria: ACMG Guidelines, 2015. Collection method: clinical testing. Allele origin: de novo. Inheritance: Autosomal dominant inheritance. Affected: yes. Observed: 1 variant allele, 1 heterozygote.
Comment: Trio-based WES identified a novel de novo heterozygous in-frame deletion in KCNC1: chr11:17793825-17793842 (GRCh37/hg19), corresponding to NM_001112741.1: c.1187_1204del TCACCATGACGACCCTGG (p.Val396_Leu401del). The variant is absent from population databases (gnomAD, 1000 Genomes) (PM2) and results in the deletion of six amino acids (PM4). The affected residues are highly conserved across species and located within the S5-S6 linker of the Kv3.1 channel. According to the ACMG/AMP guidelines, this variant was classified as likely pathogenic (PS2_Moderate, PM2, PM4).